The following is an entry in ClinVar:

NM_058216.3(RAD51C):c.556_558dup (p.Lys186dup)

Gene: RAD51C (RAD51 paralog C; plus strand). Cytogenetic location: 17q22.
Variant type: Duplication.
Coding change: c.556_558dup on transcript NM_058216.3 (MANE Select); coding-DNA positions 556 to 558, 3 bases duplicated (AAA; older notation c.556_558dupAAA).
Protein change: p.Lys186dup; duplicates lysine 186.
Molecular consequence: inframe insertion.
Genome position (GRCh38, 1-based): chr17:58,696,844-58,696,846, AAA duplicated; duplicating any 3 consecutive bases within chr17:58,696,842-58,696,846 gives the same sequence; the c. name uses the placement nearest the transcript's 3' end. VCF-style (leftmost placement, unchanged base first): chr17-58696841-G-GAAA. GRCh37 (hg19) VCF-style: chr17-56774202-G-GAAA.
Other names: c.556_558dup (LRG_314t1); c.556_558dupAAA (NM_058216.2, NM_058216.1).
Identifiers: ClinVar variation 482173 (VCV000482173.19), dbSNP rs776534031, ClinGen allele CA8677256.

ClinVar aggregate classification (germline): Uncertain significance. Review status: criteria provided, multiple submitters, no conflicts (2 of 4 stars). 5 submissions from 5 submitters: Uncertain significance (5). Last evaluated 2025-04-30.

Conditions:
Hereditary cancer-predisposing syndrome. Also called: Hereditary neoplastic syndrome; Neoplastic Syndromes, Hereditary; Tumor predisposition; Hereditary Cancer Syndrome. Identifiers: Orphanet 140162, MedGen C0027672, MeSH D009386, MONDO:0015356.
Breast-ovarian cancer, familial, susceptibility to, 3. Also called: RAD51C-Related Breast/Ovarian Cancer. Identifiers: Orphanet 145, MedGen C3150659, MONDO:0013253, OMIM 613399.
Fanconi anemia complementation group O. Also called: RAD51C-Related Fanconi Anemia. Identifiers: Orphanet 84, MedGen C3150653, MONDO:0013248, OMIM 613390.

Submissions (5):

Labcorp Genetics (formerly Invitae), Labcorp
Classification: Uncertain significance for Fanconi anemia complementation group O. Last evaluated: 2025-04-30. Review status: criteria provided, single submitter. Criteria: Invitae Variant Classification Sherloc (09022015). Collection method: clinical testing. Allele origin: germline.
Comment: This variant, c.556_558dup, results in the insertion of 1 amino acid(s) of the RAD51C protein (p.Lys186dup), but otherwise preserves the integrity of the reading frame. This variant is present in population databases (rs776534031, gnomAD 0.03%). This variant has not been reported in the literature in individuals affected with RAD51C-related conditions. ClinVar contains an entry for this variant (Variation ID: 482173). Experimental studies and prediction algorithms are not available or were not evaluated, and the functional significance of this variant is currently unknown. In summary, the available evidence is currently insufficient to determine the role of this variant in disease. Therefore, it has been classified as a Variant of Uncertain Significance.

Ambry Genetics
Classification: Uncertain significance for Hereditary cancer-predisposing syndrome. Last evaluated: 2025-03-07. Review status: criteria provided, single submitter. Criteria: Ambry Variant Classification Scheme 2023. Collection method: clinical testing. Allele origin: germline.
Comment: The c.556_558dupAAA variant (also known as p.K186dup), located in coding exon 3 of the RAD51C gene, results from an in-frame duplication of AAA at nucleotide positions 556 to 558. This results in the duplication of a lysine residue at codon 186. This amino acid position is poorly conserved in available vertebrate species. In addition, the in silico prediction for this alteration is inconclusive (Choi Y et al. PLoS ONE. 2012; 7(10):e46688). Based on the available evidence, the clinical significance of this variant remains unclear.

Fulgent Genetics
Classification: Uncertain significance for Fanconi anemia complementation group O; Breast-ovarian cancer, familial, susceptibility to, 3. Last evaluated: 2021-08-16. Review status: criteria provided, single submitter. Criteria: ACMG Guidelines, 2015. Collection method: clinical testing. Allele origin: unknown.

Quest Diagnostics Nichols Institute San Juan Capistrano
Classification: Uncertain significance. Last evaluated: 2020-12-10. Review status: criteria provided, single submitter. Criteria: Quest Diagnostics criteria. Collection method: clinical testing. Allele origin: unknown.

Color Diagnostics, LLC DBA Color Health
Classification: Uncertain significance for Hereditary cancer-predisposing syndrome. Last evaluated: 2019-04-03. Review status: criteria provided, single submitter. Criteria: ACMG Guidelines, 2015. Collection method: clinical testing. Allele origin: germline.